The following is an entry in ClinVar:

ClinVar aggregate classification (germline): Conflicting classifications of pathogenicity. Review status: criteria provided, conflicting classifications (1 of 4 stars). 6 submissions from 6 submitters: Uncertain significance (1); Benign (1); Likely benign (3). 1 of the submissions does not count toward it. Last evaluated 2026-03-01.

Conditions:
Inborn genetic diseases. Identifiers: MedGen C0950123, MeSH D030342.
CHARGE syndrome (CHARGE). Also called: Hittner Hirsch Kreh syndrome; Coloboma, heart anomaly, choanal atresia, retardation, genital and ear anomalies; CHARGE association; Hall-Hittner syndrome; CHARGE ASSOCIATION--COLOBOMA, HEART ANOMALY, CHOANAL ATRESIA, RETARDATION, GENITAL AND EAR ANOMALIES. Identifiers: Orphanet 138, MedGen C0265354, MONDO:0008965.

Allele frequency attached by ClinVar (database versions not stated): ExAC 0.00004; gnomAD exomes 0.00007; gnomAD 0.00008; ESP Exome Variant Server 0.00008; TOPMed 0.00011.
gnomAD v4.1: 215 of 1,613,558 alleles (0.013%); highest among the groups gnomAD compares: Non-Finnish European, 0.017%; no homozygotes.

Submissions (6):

CeGaT Center for Human Genetics Tuebingen
Classification: Likely benign. Last evaluated: 2026-03-01. Review status: criteria provided, single submitter. Criteria: CeGaT Center For Human Genetics Tuebingen Variant Classification Criteria Version 2. Collection method: clinical testing. Allele origin: germline. Affected: yes. Observed: 1 variant allele.
Comment: CHD7: BS2

Labcorp Genetics (formerly Invitae), Labcorp
Classification: Benign for CHARGE syndrome. Last evaluated: 2025-11-28. Review status: criteria provided, single submitter. Criteria: Invitae Variant Classification Sherloc (09022015). Collection method: clinical testing. Allele origin: germline.

GeneDx
Classification: Likely benign. Last evaluated: 2020-12-22. Review status: criteria provided, single submitter. Criteria: GeneDx Variant Classification Process June 2021. Collection method: clinical testing. Allele origin: germline. Affected: yes.
Comment: This variant is associated with the following publications: (PMID: 16155193, 23526466, 22539353)

Ambry Genetics
Classification: Likely benign for Inborn genetic diseases. Last evaluated: 2019-11-14. Review status: criteria provided, single submitter. Criteria: Ambry Variant Classification Scheme 2023. Collection method: clinical testing. Allele origin: germline.

Eurofins Ntd Llc (ga)
Classification: Uncertain significance. Last evaluated: 2014-11-03. Review status: criteria provided, single submitter. Criteria: EGL Classification Definitions 2015. Collection method: clinical testing. Allele origin: germline. Observed: 3 variant alleles, 3 heterozygotes.

Gharavi Laboratory, Columbia University
Classification: Uncertain significance. Last evaluated: 2018-09-16. Review status: no assertion criteria provided. Criteria: ACMG Guidelines, 2015. Collection method: research. Allele origin: germline. Affected: no. Not counted in ClinVar's aggregate classification.

Literature cited by the submitters: PubMed 16155193 (cited by Ambry Genetics and Eurofins Ntd Llc (ga)); PubMed 22539353 (cited by Ambry Genetics); PubMed 23526466 (cited by Ambry Genetics).

NM_017780.4(CHD7):c.2194C>G (p.Pro732Ala)

Gene: CHD7 (chromodomain helicase DNA binding protein 7; plus strand). Cytogenetic location: 8q12.2.
Variant type: single nucleotide variant.
Coding change: c.2194C>G on transcript NM_017780.4 (MANE Select); coding-DNA position 2194, C replaced by G.
Protein change: p.Pro732Ala; replaces proline 732 with alanine.
Molecular consequence: missense variant. On other transcripts: intron variant (1).
Genome position (GRCh38, 1-based): chr8:60,795,083, C>G. VCF-style: chr8-60795083-C-G. GRCh37 (hg19) VCF-style: chr8-61707642-C-G.
Other names: c.1716+14033C>G (NM_001316690.1); short protein forms P732A.
Identifiers: ClinVar variation 95779 (VCV000095779.23), dbSNP rs200277422, ClinGen allele CA223276.
Genomic context (GRCh38, chr8:60,795,083, plus strand): 5'-AAAAAGGTCAACAAGGGAAAAACAGAAGGTTCTGAAAATTCAGACTTAGACAAAACACCC[C>G]CACCATCTCCTCCTCCTGAAGAAGATGAGGACCCAGGTGTTCAGGTAATACAATTATTGT-3'
Protein context (NP_060250.2, residues 722-742): SENSDLDKTP[Pro732Ala]PSPPPEEDED